The following is an entry in ClinVar:

NM_000152.5(GAA):c.2012T>C (p.Met671Thr)

Gene: GAA (alpha glucosidase; plus strand). Cytogenetic location: 17q25.3.
Variant type: single nucleotide variant.
Coding change: c.2012T>C on transcript NM_000152.5 (MANE Select); coding-DNA position 2012, T replaced by C.
Protein change: p.Met671Thr; replaces methionine 671 with threonine.
Molecular consequence: missense variant.
Genome position (GRCh38, 1-based): chr17:80,112,999, T>C. VCF-style: chr17-80112999-T-C. GRCh37 (hg19) VCF-style: chr17-78086798-T-C.
Other names: c.2012T>C, p.Met671Thr (NM_001079803.3, NM_001079804.3); short protein forms M671T.
Identifiers: ClinVar variation 855859 (VCV000855859.8), dbSNP rs398123170, ClinGen allele CA8815565.
Genomic context (GRCh38, chr17:80,112,999, plus strand): 5'-GCAACACCTCAGAGGAGCTGTGTGTGCGCTGGACCCAGCTGGGGGCCTTCTACCCCTTCA[T>C]GCGGAACCACAACAGCCTGCTCAGTCTGGTAGGGTGGGGGTGGCGGCATGGCAGGTGGGC-3'
Protein context (NP_000143.2, residues 661-681): WTQLGAFYPF[Met671Thr]RNHNSLLSLP

ClinVar aggregate classification (germline): Uncertain significance. Review status: criteria provided, single submitter (1 of 4 stars). 2 submissions from 2 submitters: Uncertain significance (1). 1 of the submissions does not count toward it. Last evaluated 2022-10-17.

Conditions:
Glycogen storage disease, type II (IOPD). Also called: Glucosidase acid-1,4-alpha deficiency; Pompe Disease; CARDIOMEGALIA GLYCOGENICA DIFFUSA; GLYCOGENOSIS, GENERALIZED, CARDIAC FORM; GSD II; Glycogen storage disease type 2. Identifiers: Orphanet 365, MedGen C0017921, MONDO:0009290, OMIM 232300.

Allele frequency attached by ClinVar (database versions not stated): gnomAD 0.00001; gnomAD exomes 0.00001; ExAC 0.00002.
gnomAD v4.1: 16 of 1,610,884 alleles (0.00099%); highest among the groups gnomAD compares: South Asian, 0.018%; no homozygotes.

Submissions (2):

Labcorp Genetics (formerly Invitae), Labcorp
Classification: Uncertain significance for Glycogen storage disease, type II. Last evaluated: 2022-10-17. Review status: criteria provided, single submitter. Criteria: Invitae Variant Classification Sherloc (09022015). Collection method: clinical testing. Allele origin: germline.
Comment: This sequence change replaces methionine, which is neutral and non-polar, with threonine, which is neutral and polar, at codon 671 of the GAA protein (p.Met671Thr). This variant is present in population databases (rs398123170, gnomAD 0.01%). This variant has not been reported in the literature in individuals affected with GAA-related conditions. ClinVar contains an entry for this variant (Variation ID: 855859). Advanced modeling of protein sequence and biophysical properties (such as structural, functional, and spatial information, amino acid conservation, physicochemical variation, residue mobility, and thermodynamic stability) has been performed at Invitae for this missense variant, however the output from this modeling did not meet the statistical confidence thresholds required to predict the impact of this variant on GAA protein function. In summary, the available evidence is currently insufficient to determine the role of this variant in disease. Therefore, it has been classified as a Variant of Uncertain Significance.

Natera, Inc.
Classification: Uncertain significance for Glycogen storage disease type II. Last evaluated: 2021-01-13. Review status: no assertion criteria provided. Collection method: clinical testing. Allele origin: germline. Not counted in ClinVar's aggregate classification.